The following is an entry in ClinVar:

NM_006415.4(SPTLC1):c.118_123del (p.Phe40_Ser41del)

Gene: SPTLC1 (serine palmitoyltransferase long chain base subunit 1; minus strand). Cytogenetic location: 9q22.31.
Variant type: Deletion.
Coding change: c.118_123del on transcript NM_006415.4 (MANE Select); coding-DNA positions 118 to 123, 6 bases deleted (TTCTCT; older notation c.118_123delTTCTCT).
Protein change: p.Phe40_Ser41del.
Molecular consequence: inframe deletion. On other transcripts: 5 prime UTR variant (2).
Genome position (GRCh38, 1-based): chr9:92,112,497-92,112,502, AGAGAA deleted on the plus strand (TTCTCT on the coding strand, the reverse complement: SPTLC1 is on the minus strand); deleting any 6 consecutive bases within chr9:92,112,497-92,112,503 gives the same sequence; the c. name uses the placement nearest the transcript's 3' end. VCF-style (leftmost placement, unchanged base first): chr9-92112496-TAGAGAA-T. GRCh37 (hg19) VCF-style: chr9-94874778-TAGAGAA-T.
Other names: 9:92112497-502; 6-BP DEL, 118TTCTCT; c.118_123del, p.Phe40_Ser41del (NM_001281303.2, NM_178324.3); c.-382_-377del (NM_001368272.1); c.-348_-343del (NM_001368273.1); c.118_123delTTCTCT (NM_006415.4).
Identifiers: ClinVar variation 997832 (VCV000997832.5), dbSNP rs2118840030, ClinGen allele CA2499219997.
Genomic context (GRCh38, chr9:92,112,496, plus strand): 5'-CAGAGATTTAATTTCGTACCTTGACTGTAAGATCAGATCGTTCTTGTAATTTGTAAGTCT[TAGAGAA>T]AAGAAGTCTGATTATCCAGAGGATCAGAATCCCTTCCAAAATAAGATGGTAAGCAGGAGC-3'

ClinVar aggregate classification (germline): Likely pathogenic. Review status: criteria provided, single submitter (1 of 4 stars). 2 submissions from 2 submitters: Likely pathogenic (1). 1 of the submissions does not count toward it.

Conditions:
Amyotrophic lateral sclerosis 27, juvenile (ALS27). Identifiers: MedGen C5830359, MONDO:0859529, OMIM 620285.
Amyotrophic lateral sclerosis (ALS). Also called: Charcot disease; Lou Gehrig disease. Identifiers: Orphanet 803, MedGen C0002736, MONDO:0004976, HP:0007354.

Submissions (2):

Bonnemann Lab, National Institutes of Health
Classification: Likely pathogenic for Amyotrophic lateral sclerosis. Review status: criteria provided, single submitter. Criteria: ACMG Guidelines, 2015. Collection method: clinical testing. Allele origin: de novo. Inheritance: Autosomal dominant inheritance. Affected: yes. Observed: 1 variant allele, 1 heterozygote.
Comment: This variant occurred de novo which was confirmed by parental segregation testing and was absent from large population studies. Additionally, in vitro functional studies indicate that this variant results in increased serine palmitoyltransferase (SPT) activity by disrupting the interaction of SPTLC1 subunit with ORMDL proteins, the negative regulators of SPT. This variant does not affect SPT's amino acid substrate affinity.

OMIM
Classification: Pathogenic for AMYOTROPHIC LATERAL SCLEROSIS 27, JUVENILE. Last evaluated: 2023-03-16. Review status: no assertion criteria provided. Collection method: literature only. Allele origin: germline. Not counted in ClinVar's aggregate classification.

Literature cited by the submitters: PubMed 34059824 (cited by OMIM).